The following is an entry in ClinVar:

ClinVar aggregate classification (germline): Uncertain significance (1 of 4 stars; one submission).

Conditions:
Ataxia-telangiectasia syndrome (AT). Also called: Ataxia-telangiectasia, complementation group D; AT, COMPLEMENTATION GROUP C; ATAXIA-TELANGIECTASIA, COMPLEMENTATION GROUP A; ATAXIA-TELANGIECTASIA, FRESNO VARIANT; Ataxia-telangiectasia, complementation group E; LOUIS-BAR SYNDROME. Identifiers: Orphanet 100, MedGen C0004135, MONDO:0008840, OMIM 208900.

Submission:

Labcorp Genetics (formerly Invitae), Labcorp
Classification: Uncertain significance for Ataxia-telangiectasia syndrome. Last evaluated: 2021-12-23. Review status: criteria provided, single submitter. Criteria: Invitae Variant Classification Sherloc (09022015). Collection method: clinical testing. Allele origin: germline.
Comment: Advanced modeling of protein sequence and biophysical properties (such as structural, functional, and spatial information, amino acid conservation, physicochemical variation, residue mobility, and thermodynamic stability) performed at Invitae indicates that this missense variant is expected to disrupt ATM protein function. In summary, the available evidence is currently insufficient to determine the role of this variant in disease. Therefore, it has been classified as a Variant of Uncertain Significance. This variant has not been reported in the literature in individuals affected with ATM-related conditions. This sequence change replaces glutamic acid, which is acidic and polar, with glycine, which is neutral and non-polar, at codon 2304 of the ATM protein (p.Glu2304Gly). This variant is not present in population databases (gnomAD no frequency).

NM_000051.4(ATM):c.6911A>G (p.Glu2304Gly)

Genes: ATM (ATM serine/threonine kinase; plus strand), C11orf65 (chromosome 11 open reading frame 65; minus strand). Cytogenetic location: 11q22.3.
Variant type: single nucleotide variant.
Coding change: c.6911A>G on transcript NM_000051.4 (MANE Select); coding-DNA position 6911, A replaced by G.
Protein change: p.Glu2304Gly; replaces glutamic acid 2304 with glycine.
Molecular consequence: missense variant. On other transcripts: intron variant (2).
Genome position (GRCh38, 1-based): chr11:108,326,161, A>G. VCF-style: chr11-108326161-A-G. GRCh37 (hg19) VCF-style: chr11-108196888-A-G.
Other names: c.6911A>G, p.Glu2304Gly (NM_001351834.2); c.641-17090T>C (NM_001330368.2); c.*38+9059T>C (NM_001351110.2); short protein forms E2304G.
Identifiers: ClinVar variation 2054375 (VCV002054375.4), dbSNP rs2136336595, ClinGen allele CA382557025.